The following is an entry in ClinVar:

ClinVar aggregate classification (germline): Uncertain significance. Review status: criteria provided, multiple submitters, no conflicts (2 of 4 stars). 5 submissions from 5 submitters: Uncertain significance (5). Last evaluated 2025-02-19.

Conditions:
CNGB1-related retinopathy. Identifiers: MedGen CN322609, MONDO:0800403.
Inborn genetic diseases. Identifiers: MedGen C0950123, MeSH D030342.
Retinal dystrophy. Also called: Inherited retinal dystrophy. Identifiers: Orphanet 71862, MedGen C0854723, MeSH D058499, MONDO:0019118, HP:0000556.

Allele frequency attached by ClinVar (database versions not stated): gnomAD 0.00004; gnomAD exomes 0.00004; TOPMed 0.00004; ExAC 0.00005; 1000 Genomes Project 0.00020; 1000 Genomes Project 30x 0.00031.
gnomAD v4.1: 96 of 1,614,086 alleles (0.0059%); highest among the groups gnomAD compares: East Asian, 0.0089%; no homozygotes.

Submissions (5):

Ambry Genetics
Classification: Uncertain significance for Inborn genetic diseases. Last evaluated: 2025-02-19. Review status: criteria provided, single submitter. Criteria: Ambry Variant Classification Scheme 2023. Collection method: clinical testing. Allele origin: germline.

Blueprint Genetics
Classification: Uncertain significance. Last evaluated: 2024-11-26. Review status: criteria provided, single submitter. Criteria: ACMG Guidelines, 2015. Collection method: clinical testing. Allele origin: germline.

Dept Of Ophthalmology, Nagoya University
Classification: Uncertain significance for Retinal dystrophy. Last evaluated: 2023-10-01. Review status: criteria provided, single submitter. Criteria: Submitter's publication. Collection method: research. Allele origin: germline. Affected: yes.

Labcorp Genetics (formerly Invitae), Labcorp
Classification: Uncertain significance. Last evaluated: 2021-09-01. Review status: criteria provided, single submitter. Criteria: Invitae Variant Classification Sherloc (09022015). Collection method: clinical testing. Allele origin: germline.
Comment: This sequence change replaces glycine with arginine at codon 847 of the CNGB1 protein (p.Gly847Arg). The glycine residue is highly conserved and there is a moderate physicochemical difference between glycine and arginine. This variant is present in population databases (rs200953727, ExAC 0.01%). This variant has not been reported in the literature in individuals affected with CNGB1-related conditions. Algorithms developed to predict the effect of missense changes on protein structure and function (SIFT, PolyPhen-2, Align-GVGD) all suggest that this variant is likely to be disruptive. Algorithms developed to predict the effect of sequence changes on RNA splicing suggest that this variant may create or strengthen a splice site. In summary, the available evidence is currently insufficient to determine the role of this variant in disease. Therefore, it has been classified as a Variant of Uncertain Significance.

Department of Pathology and Laboratory Medicine, Sinai Health System
Classification: Uncertain significance for CNGB1-related retinopathy. Last evaluated: 2020-06-15. Review status: criteria provided, single submitter. Criteria: ACMG Guidelines, 2015. Collection method: research. Allele origin: germline.

NM_001297.5(CNGB1):c.2539G>A (p.Gly847Arg)

Gene: CNGB1 (cyclic nucleotide gated channel subunit beta 1; minus strand). Cytogenetic location: 16q21.
Variant type: single nucleotide variant.
Coding change: c.2539G>A on transcript NM_001297.5 (MANE Select); coding-DNA position 2539, G replaced by A.
Protein change: p.Gly847Arg; replaces glycine 847 with arginine.
Molecular consequence: missense variant.
Genome position (GRCh38, 1-based): chr16:57,904,829, C>T on the plus strand (G>A on the coding strand, the complement: CNGB1 is on the minus strand). VCF-style: chr16-57904829-C-T. GRCh37 (hg19) VCF-style: chr16-57938733-C-T.
Other names: c.2521G>A, p.Gly841Arg (NM_001286130.2); c.2539G>A (NM_001297.4); short protein forms G841R, G847R.
Identifiers: ClinVar variation 1010175 (VCV001010175.9), dbSNP rs200953727, ClinGen allele CA8082938.